The following is an entry in ClinVar:

NM_000465.4(BARD1):c.841C>T (p.Pro281Ser)

Gene: BARD1 (BRCA1 associated RING domain 1; minus strand). Cytogenetic location: 2q35.
Variant type: single nucleotide variant.
Coding change: c.841C>T on transcript NM_000465.4 (MANE Select); coding-DNA position 841, C replaced by T.
Protein change: p.Pro281Ser; replaces proline 281 with serine.
Molecular consequence: missense variant. On other transcripts: non-coding transcript variant (2), intron variant (3).
Genome position (GRCh38, 1-based): chr2:214,781,033, G>A on the plus strand (C>T on the coding strand, the complement: BARD1 is on the minus strand). VCF-style: chr2-214781033-G-A. GRCh37 (hg19) VCF-style: chr2-215645757-G-A.
Other names: p.P281S:CCA>TCA; c.784C>T, p.Pro262Ser (NM_001282543.2); c.158+28379C>T (NM_001282548.2); c.215+16028C>T (NM_001282545.2); c.364+11264C>T (NM_001282549.2); short protein forms P281S, P262S.
Identifiers: ClinVar variation 127749 (VCV000127749.44), dbSNP rs200059956, ClinGen allele CA287560.

ClinVar aggregate classification (germline): Conflicting classifications of pathogenicity. Review status: criteria provided, conflicting classifications (1 of 4 stars). 16 submissions from 16 submitters: Uncertain significance (13); Likely benign (2). 1 of the submissions does not count toward it. Last evaluated 2026-05-06.

Conditions:
BARD1-related disorder. Also called: BARD1-related condition.
Hereditary cancer-predisposing syndrome. Also called: Neoplastic Syndromes, Hereditary; Tumor predisposition; Hereditary Cancer Syndrome; Hereditary neoplastic syndrome. Identifiers: Orphanet 140162, MedGen C0027672, MeSH D009386, MONDO:0015356.
Hereditary breast ovarian cancer syndrome. Also called: BRCA1- and BRCA2-Associated Hereditary Breast and Ovarian Cancer; Hereditary breast and ovarian cancer; Hereditary breast and ovarian cancer syndrome; Hereditary breast and ovarian cancer syndrome (HBOC); Breast and ovarian cancer; Hereditary breast and/or ovarian cancer syndrome. Identifiers: Orphanet 145, MedGen C0677776, MeSH D061325, MONDO:0003582. Disease mechanism: loss of function.
Familial cancer of breast. Also called: hereditary breast carcinoma; Hereditary breast cancer; BREAST CANCER, FAMILIAL. Identifiers: Orphanet 227535, MedGen C0346153, MONDO:0016419, OMIM 114480. Disease mechanism: loss of function.

Allele frequency attached by ClinVar (database versions not stated): ExAC 0.00002; gnomAD exomes 0.00002 and 0.00004; gnomAD 0.00005; TOPMed 0.00006.
gnomAD v4.1: 65 of 1,611,132 alleles (0.004%); highest among the groups gnomAD compares: Non-Finnish European, 0.0052%; no homozygotes.

Submissions (16):

PreventionGenetics, part of Exact Sciences
Classification: Uncertain significance for BARD1-related condition. Last evaluated: 2026-05-06. Review status: criteria provided, single submitter. Criteria: ACMG Guidelines, 2015. Collection method: clinical testing. Allele origin: germline.
Comment: The BARD1 c.841C>T variant is predicted to result in the amino acid substitution p.Pro281Ser. This variant has been reported in multiple individuals with a history of breast, colorectal, or Lynch syndrome-associated cancers (Supplemental Table 2, Yurgelun et al. 2015. PubMed ID: 25980754; Table A2, Tung et al. 2016. PubMed ID: 26976419; Table e2, Pearlman et al. 2017. PubMed ID: 27978560; Sandoval et al. 2021. PubMed ID: 33606809). This variant is reported in 0.0036% of alleles in individuals of European (Non-Finnish) descent in gnomAD and has conflicting interpretations in ClinVar ranging from likely benign to uncertain (Variation ID: 127749). At this time, the clinical significance of this variant is uncertain due to the absence of conclusive functional and genetic evidence.

Labcorp Genetics (formerly Invitae), Labcorp
Classification: Uncertain significance for Familial cancer of breast. Last evaluated: 2026-02-03. Review status: criteria provided, single submitter. Criteria: Invitae Variant Classification Sherloc (09022015). Collection method: clinical testing. Allele origin: germline.
Comment: This sequence change replaces proline, which is neutral and non-polar, with serine, which is neutral and polar, at codon 281 of the BARD1 protein (p.Pro281Ser). This variant is present in population databases (rs200059956, gnomAD 0.004%). This missense change has been observed in individual(s) with breast cancer and colon cancer (PMID: 25980754, 26979419, 27978560, 33606809, 34250417). ClinVar contains an entry for this variant (Variation ID: 127749). An algorithm developed to predict the effect of missense changes on protein structure and function (PolyPhen-2) suggests that this variant is likely to be tolerated. In summary, the available evidence is currently insufficient to determine the role of this variant in disease. Therefore, it has been classified as a Variant of Uncertain Significance.

Dasa
Classification: Uncertain significance. Last evaluated: 2025-11-19. Review status: criteria provided, single submitter. Criteria: DASA Assertion Criteria. Collection method: clinical testing. Allele origin: germline.
Comment: NM_000465.4(BARD1):c.841C>T (p.Pro281Ser) is a missense variant that results in the substitution of proline with serine. This variant is rare in population databases. The currently available literature and clinical evidence are not sufficient to establish a definitive association between this variant and the reported condition. Therefore, this variant is classified as a variant of uncertain significance.

Color Diagnostics, LLC DBA Color Health
Classification: Likely benign for Hereditary cancer-predisposing syndrome. Last evaluated: 2025-11-10. Review status: criteria provided, single submitter. Criteria: ACMG Guidelines, 2015. Collection method: clinical testing. Allele origin: germline.

Ambry Genetics
Classification: Uncertain significance for Hereditary cancer-predisposing syndrome. Last evaluated: 2025-06-19. Review status: criteria provided, single submitter. Criteria: Ambry Variant Classification Scheme 2023. Collection method: clinical testing. Allele origin: germline.

Quest Diagnostics Nichols Institute San Juan Capistrano
Classification: Uncertain significance. Last evaluated: 2025-03-13. Review status: criteria provided, single submitter. Criteria: Quest Diagnostics criteria. Collection method: clinical testing. Allele origin: unknown.
Comment: The BARD1 c.841C>T (p.Pro281Ser) variant has been reported in the published literature in individuals with breast cancer (PMID: 33606809 (2021), 35264596 (2022), 35534704 (2022), 38060977 (2023), 33471991 (2021), see also LOVD), colon cancer (PMID: 27978560 (2016)), and reportedly healthy individuals (PMID: 33471991 (2021), see also LOVD). The frequency of this variant in the general population (Genome Aggregation Database) is uninformative in the assessment of its pathogenicity. Analysis of this variant using bioinformatics tools for the prediction of the effect of amino acid changes on protein structure and function yielded predictions that this variant is benign. Based on the available information, we are unable to determine the clinical significance of this variant.

Center for Genomic Medicine, Rigshospitalet, Copenhagen University Hospital
Classification: Uncertain significance. Last evaluated: 2025-03-04. Review status: criteria provided, single submitter. Criteria: ACMG Guidelines, 2015. Collection method: clinical testing. Allele origin: germline.

Fulgent Genetics
Classification: Uncertain significance for Familial cancer of breast. Last evaluated: 2024-05-21. Review status: criteria provided, single submitter. Criteria: ACMG Guidelines, 2015. Collection method: clinical testing. Allele origin: germline.

Baylor Genetics
Classification: Uncertain significance for Familial cancer of breast. Last evaluated: 2024-03-05. Review status: criteria provided, single submitter. Criteria: ACMG Guidelines, 2015. Collection method: clinical testing. Allele origin: unknown.

GeneDx
Classification: Uncertain significance. Last evaluated: 2024-02-05. Review status: criteria provided, single submitter. Criteria: GeneDx Variant Classification Process June 2021. Collection method: clinical testing. Allele origin: germline. Affected: yes.
Comment: Observed in individuals with a personal or family history including breast, colon, or other cancer and/or polyps, and also observed in unaffected controls (PMID: 25980754, 26976419, 27978560, 33471991, 34250417, 33606809, 35534704, 35264596); In silico analysis supports that this missense variant does not alter protein structure/function; Not observed at significant frequency in large population cohorts (gnomAD); This variant is associated with the following publications: (PMID: 25980754, 26976419, 27720647, 27978560, 29596542, 33606809, 33471991, 35264596, 35534704, 34250417)

Myriad Genetics, Inc.
Classification: Likely benign for Familial cancer of breast. Last evaluated: 2023-02-24. Review status: criteria provided, single submitter. Criteria: Myriad Autosomal Dominant, Autosomal Recessive and X-Linked Classification Criteria (2023). Collection method: clinical testing. Allele origin: unknown.
Comment: This variant is considered likely benign. This variant is strongly associated with less severe personal and family histories of cancer, typical for individuals without pathogenic variants in this gene [PMID: 25085752].

Women's Health and Genetics/Laboratory Corporation of America, LabCorp
Classification: Uncertain significance. Last evaluated: 2022-10-24. Review status: criteria provided, single submitter. Criteria: LabCorp Variant Classification Summary - May 2015. Collection method: clinical testing. Allele origin: germline.
Comment: Variant summary: BARD1 c.841C>T (p.Pro281Ser) results in a non-conservative amino acid change in the encoded protein sequence. Four of five in-silico tools predict a benign effect of the variant on protein function. The variant allele was found at a frequency of 1.6e-05 in 247946 control chromosomes (gnomAD). The available data on variant occurrences in the general population are insufficient to allow any conclusion about variant significance. c.841C>T has been reported in the literature in individuals affected with breast cancer, colorectal cancer, prostate cancer and Lynch syndrome associated cancer and/or polyps (Yurgelun_2015, Tung_2016, Pearlman_2016, Sandoval_2021, Dorling_2021, Dillon_2022). These reports do not provide unequivocal conclusions about association of the variant with Hereditary Breast And Ovarian Cancer Syndrome. To our knowledge, no experimental evidence demonstrating an impact on protein function has been reported. Ten ClinVar submitters (evaluation after 2014) cite the variant as uncertain significance. Based on the evidence outlined above, the variant was classified as uncertain significance.

Sema4
Classification: Uncertain significance for Hereditary cancer-predisposing syndrome. Last evaluated: 2021-07-01. Review status: criteria provided, single submitter. Criteria: Sema4 Curation Guidelines. Collection method: curation. Allele origin: germline.
Comment: The BARD1 c.841C>T (p.P281S) variant has been reported in individuals with breast cancer, colorectal cancer, and Lynch syndrome-associated cancer and/or colorectal polyps.(PMID: 27978560, 26976419, 25980754, 33471991). It was observed in 4/112236 chromosomes of the Non-Finnish European subpopulation in the large and broad cohorts of the Genome Aggregation Database (PMID: 32461654). The variant has been reported in ClinVar (Variation ID 127749). In silico tools suggest the impact of the variant on protein function is inconclusive though these predictions have not been confirmed by functional studies. The evidence is insufficient to meet ACMG/AMP criteria for classifying the variant as benign or pathogenic. Thus, the clinical significance of this variant is currently uncertain.

St. Jude Molecular Pathology, St. Jude Children's Research Hospital
Classification: Uncertain significance for Hereditary breast ovarian cancer syndrome. Last evaluated: 2021-04-15. Review status: criteria provided, single submitter. Criteria: St. Jude Assertion Criteria 2020. Collection method: clinical testing. Allele origin: germline.
Comment: The BARD1 c.841C>T (p.Pro281Ser) missense change has a maximum subpopulation frequency of 0.0036% in gnomAD v2.1.1. It is absent in a database of women older than 70 years of age who have never had cancer. Five of seven in silico tools predict a benign effect of this variant on protein function (BP4), but these predictions have not been confirmed by functional studies. This variant has been reported in individuals with breast cancer, colorectal cancer, and suspected Lynch syndrome (PMID: 26976419, 27978560, 25980754). In summary, this variant meets criteria to be classified as of uncertain significance based on the ACMG/AMP criteria: BP4.

Mendelics
Classification: Uncertain significance for Familial cancer of breast. Last evaluated: 2018-07-02. Review status: criteria provided, single submitter. Criteria: Mendelics Assertion Criteria 2017. Collection method: clinical testing. Allele origin: unknown.

Counsyl
Classification: Uncertain significance for Familial cancer of breast. Last evaluated: 2018-02-28. Review status: no assertion criteria provided. Collection method: clinical testing. Allele origin: unknown. Not counted in ClinVar's aggregate classification.

Literature cited by the submitters: PubMed 25980754 (cited by 5 submitters); PubMed 26979419 (cited by Labcorp Genetics (formerly Invitae), Labcorp); PubMed 27978560 (cited by 5 submitters); PubMed 33606809 (cited by 3 submitters); PubMed 34250417 (cited by Labcorp Genetics (formerly Invitae), Labcorp and Women's Health and Genetics/Laboratory Corporation of America, LabCorp); PubMed 26976419 (cited by 4 submitters); PubMed 33471991 (cited by 3 submitters); PubMed 35264596 (cited by Quest Diagnostics Nichols Institute San Juan Capistrano); PubMed 35534704 (cited by Quest Diagnostics Nichols Institute San Juan Capistrano); PubMed 38060977 (cited by Quest Diagnostics Nichols Institute San Juan Capistrano); PubMed 25085752 (cited by Myriad Genetics, Inc.).